The following is an entry in ClinVar:

ClinVar aggregate classification (germline): Conflicting classifications of pathogenicity. Review status: criteria provided, conflicting classifications (1 of 4 stars). 3 submissions from 3 submitters: Uncertain significance (2); Likely benign (1). Last evaluated 2025-06-30.

Conditions:
Inborn genetic diseases. Identifiers: MedGen C0950123, MeSH D030342.
Pierson syndrome. Also called: MICROCORIA-CONGENITAL NEPHROTIC SYNDROME. Identifiers: Orphanet 2670, MedGen C1836876, MONDO:0012184, OMIM 609049.
LAMB2-related infantile-onset nephrotic syndrome. Also called: Nephrotic Syndrome, type 5; NEPHROTIC SYNDROME, TYPE 5, WITHOUT OCULAR ABNORMALITIES; NEPHROTIC SYNDROME, TYPE 5, WITH OCULAR ABNORMALITIES. Identifiers: Orphanet 306507, MedGen C3280113, MONDO:0013621, OMIM 614199.

Allele frequency attached by ClinVar (database versions not stated): ExAC 0.00001; gnomAD exomes 0.00002.
gnomAD v4.1: 22 of 1,613,936 alleles (0.0014%); highest among the groups gnomAD compares: Admixed American, 0.0067%; no homozygotes.

Submissions (3):

Ambry Genetics
Classification: Likely benign for Inborn genetic diseases. Last evaluated: 2025-06-30. Review status: criteria provided, single submitter. Criteria: Ambry Variant Classification Scheme 2023. Collection method: clinical testing. Allele origin: germline.

Fulgent Genetics
Classification: Uncertain significance for Pierson syndrome; LAMB2-related infantile-onset nephrotic syndrome. Last evaluated: 2021-07-28. Review status: criteria provided, single submitter. Criteria: ACMG Guidelines, 2015. Collection method: clinical testing. Allele origin: unknown.

Labcorp Genetics (formerly Invitae), Labcorp
Classification: Uncertain significance for Nephrotic syndrome, type 5, with or without ocular abnormalities; Pierson syndrome. Last evaluated: 2019-01-07. Review status: criteria provided, single submitter. Criteria: Invitae Variant Classification Sherloc (09022015). Collection method: clinical testing. Allele origin: germline.
Comment: This sequence change replaces arginine with glutamine at codon 1626 of the LAMB2 protein (p.Arg1626Gln). The arginine residue is moderately conserved and there is a small physicochemical difference between arginine and glutamine. This variant is present in population databases (rs752674803, ExAC 0.009%). This variant has not been reported in the literature in individuals with LAMB2-related conditions. Algorithms developed to predict the effect of missense changes on protein structure and function output the following: SIFT: "Tolerated"; PolyPhen-2: "Benign"; Align-GVGD: "Class C0". The glutamine amino acid residue is found in multiple mammalian species, suggesting that this missense change does not adversely affect protein function. These predictions have not been confirmed by published functional studies and their clinical significance is uncertain. Algorithms developed to predict the effect of sequence changes on RNA splicing suggest that this variant may create or strengthen a splice site, but this prediction has not been confirmed by published transcriptional studies. In summary, the available evidence is currently insufficient to determine the role of this variant in disease. Therefore, it has been classified as a Variant of Uncertain Significance.

NM_002292.4(LAMB2):c.4877G>A (p.Arg1626Gln)

Gene: LAMB2 (laminin subunit beta 2; minus strand). Cytogenetic location: 3p21.31.
Variant type: single nucleotide variant.
Coding change: c.4877G>A on transcript NM_002292.4 (MANE Select); coding-DNA position 4877, G replaced by A.
Protein change: p.Arg1626Gln; replaces arginine 1626 with glutamine.
Molecular consequence: missense variant.
Genome position (GRCh38, 1-based): chr3:49,121,990, C>T on the plus strand (G>A on the coding strand, the complement: LAMB2 is on the minus strand). VCF-style: chr3-49121990-C-T. GRCh37 (hg19) VCF-style: chr3-49159423-C-T.
Other names: short protein forms R1626Q.
Identifiers: ClinVar variation 639510 (VCV000639510.3), dbSNP rs752674803, ClinGen allele CA2393676.
Genomic context (GRCh38, chr3:49,121,990, plus strand): 5'-TAGGAAGACCTCACCTGGTACAGGGTCTGCTCTGTGTCCCGTGTGTCAGCCACTGCCCCC[C>T]GGATGGCACCCTGGGCAATACCCTGTGCCCGCTGGGCCTCCTCCAGTGCTGCCTGTACTG-3'
Protein context (NP_002283.3, residues 1616-1636): RAQGIAQGAI[Arg1626Gln]GAVADTRDTE